The following is an entry in ClinVar:

ClinVar aggregate classification (germline): Uncertain significance (1 of 4 stars; one submission).

Conditions:
Inborn genetic diseases. Identifiers: MedGen C0950123, MeSH D030342.

Submission:

Ambry Genetics
Classification: Uncertain significance for Inborn genetic diseases. Last evaluated: 2023-05-19. Review status: criteria provided, single submitter. Criteria: Ambry Variant Classification Scheme 2023. Collection method: clinical testing. Allele origin: germline.
Comment: The p.R637I variant (also known as c.1910G>T), located in coding exon 15 of the BUB1B gene, results from a G to T substitution at nucleotide position 1910. The arginine at codon 637 is replaced by isoleucine, an amino acid with similar properties. This amino acid position is conserved. In addition, this alteration is predicted to be tolerated by in silico analysis. Since supporting evidence is limited at this time, the clinical significance of this alteration remains unclear.

NM_001211.6(BUB1B):c.1910G>T (p.Arg637Ile)

Gene: BUB1B (BUB1 mitotic checkpoint serine/threonine kinase B; plus strand). Cytogenetic location: 15q15.1.
Variant type: single nucleotide variant.
Coding change: c.1910G>T on transcript NM_001211.6 (MANE Select); coding-DNA position 1910, G replaced by T.
Protein change: p.Arg637Ile; replaces arginine 637 with isoleucine.
Molecular consequence: missense variant.
Genome position (GRCh38, 1-based): chr15:40,206,359, G>T. VCF-style: chr15-40206359-G-T. GRCh37 (hg19) VCF-style: chr15-40498560-G-T.
Other names: short protein forms R637I.
Identifiers: ClinVar variation 2565469 (VCV002565469.2), dbSNP rs2140904085, ClinGen allele CA391692659.